The following is an entry in ClinVar:

ClinVar aggregate classification (germline): Uncertain significance (1 of 4 stars; one submission).

Conditions:
Mucopolysaccharidosis, MPS-IV-A (MPS4A). Also called: Mucopolysaccharidosis type IV A; Mucopolysaccharidosis Type IVA; Morquio syndrome A, mild; MORQUIO SYNDROME A; MPS IVA; mucopolysaccharidosis type 4A. Identifiers: Orphanet 309297, Orphanet 582, MedGen C0086651, MONDO:0009659, OMIM 253000.

Submission:

Laboratory of Diagnosis and Therapy of Lysosomal Disorders, University of Padova
Classification: Uncertain significance for Mucopolysaccharidosis, MPS-IV-A. Last evaluated: 2021-02-01. Review status: criteria provided, single submitter. Criteria: ACMG Guidelines, 2015. Collection method: research. Allele origin: germline. Affected: yes.
Comment: In vivo functional studies supportive of a damaging effect on the gene product (low to null enzymatic activity in homozygotes; PS3_supporting); absent from gnomAD v2.1.1 (PM2_moderate); multiple lines of computational evidence support a deleterious effect on the gene (PP3_supporting)

Literature cited by the submitters: PubMed 34387910.

NM_000512.5(GALNS):c.1042A>G (p.Thr348Ala)

Gene: GALNS (galactosamine (N-acetyl)-6-sulfatase; minus strand). Cytogenetic location: 16q24.3.
Variant type: single nucleotide variant.
Coding change: c.1042A>G on transcript NM_000512.5 (MANE Select); coding-DNA position 1042, A replaced by G.
Protein change: p.Thr348Ala; replaces threonine 348 with alanine.
Molecular consequence: missense variant.
Genome position (GRCh38, 1-based): chr16:88,826,799, T>C on the plus strand (A>G on the coding strand, the complement: GALNS is on the minus strand). VCF-style: chr16-88826799-T-C. GRCh37 (hg19) VCF-style: chr16-88893207-T-C.
Other names: c.487A>G, p.Thr163Ala (NM_001323543.2); c.1060A>G, p.Thr354Ala (NM_001323544.2); short protein forms T163A, T348A, T354A.
Identifiers: ClinVar variation 1048485 (VCV001048485.3), dbSNP rs1597547797, ClinGen allele CA397098513.
Genomic context (GRCh38, chr16:88,826,799, plus strand): 5'-GGTTGAGGCCATCAATGGCCCTGTCGCTGGGCGGCGTCAGGCCCGCAAGGGCCAGGCTGG[T>C]GGTGAAGAGGTCCATGATGCTGCCCAGCTGGTGGCTCACCTGAAACACATGGCAGCAACA-3'
Protein context (NP_000503.1, residues 338-358): QLGSIMDLFT[Thr348Ala]SLALAGLTPP